The following is an entry in ClinVar:

NM_001278064.2(GRM1):c.2818T>A (p.Ser940Thr)

Gene: GRM1 (glutamate metabotropic receptor 1; plus strand). Cytogenetic location: 6q24.3.
Variant type: single nucleotide variant.
Coding change: c.2818T>A on transcript NM_001278064.2 (MANE Select); coding-DNA position 2818, T replaced by A.
Protein change: p.Ser940Thr; replaces serine 940 with threonine.
Molecular consequence: missense variant. On other transcripts: 3 prime UTR variant (3).
Genome position (GRCh38, 1-based): chr6:146,434,029, T>A. VCF-style: chr6-146434029-T-A. GRCh37 (hg19) VCF-style: chr6-146755165-T-A.
Other names: p.Ser940Thr; c.*182T>A (NM_001278065.2); c.*147T>A (NM_001278066.1); c.*56T>A (NM_001278067.1); c.2818T>A (NM_001278064.1); short protein forms S940T.
Identifiers: ClinVar variation 2682959 (VCV002682959.7), dbSNP rs559782958, ClinGen allele CA4037566.

ClinVar aggregate classification (germline): Uncertain significance. Review status: criteria provided, multiple submitters, no conflicts (2 of 4 stars). 4 submissions from 4 submitters: Uncertain significance (4). Last evaluated 2024-10-25.

Allele frequency attached by ClinVar (database versions not stated): TOPMed below 0.00001; gnomAD 0.00004; ExAC 0.00018; 1000 Genomes Project 30x 0.00031; 1000 Genomes Project 0.00040.
gnomAD v4.1: 98 of 1,614,104 alleles (0.0061%); highest among the groups gnomAD compares: South Asian, 0.097%; 2 homozygotes.

Submissions (4):

GeneDx
Classification: Uncertain significance. Last evaluated: 2024-10-25. Review status: criteria provided, single submitter. Criteria: GeneDx Variant Classification Process June 2021. Collection method: clinical testing. Allele origin: germline. Affected: yes.
Comment: In silico analysis indicates that this missense variant does not alter protein structure/function; Has not been previously published as pathogenic or benign to our knowledge

Revvity Omics, Revvity
Classification: Uncertain significance. Last evaluated: 2023-11-13. Review status: criteria provided, single submitter. Criteria: ACMG Guidelines, 2015. Collection method: clinical testing. Allele origin: germline.

Mayo Clinic Laboratories, Mayo Clinic
Classification: Uncertain significance. Last evaluated: 2023-05-04. Review status: criteria provided, single submitter. Criteria: ACMG Guidelines, 2015. Collection method: clinical testing. Allele origin: germline. Observed: 1 variant allele.
Comment: BP4

Labcorp Genetics (formerly Invitae), Labcorp
Classification: Uncertain significance. Last evaluated: 2023-03-26. Review status: criteria provided, single submitter. Criteria: Invitae Variant Classification Sherloc (09022015). Collection method: clinical testing. Allele origin: germline.
Comment: In summary, the available evidence is currently insufficient to determine the role of this variant in disease. Therefore, it has been classified as a Variant of Uncertain Significance. An algorithm developed to predict the effect of missense changes on protein structure and function (PolyPhen-2) suggests that this variant is likely to be tolerated. This variant has not been reported in the literature in individuals affected with GRM1-related conditions. This variant is present in population databases (rs559782958, gnomAD 0.1%), including at least one homozygous and/or hemizygous individual. This sequence change replaces serine, which is neutral and polar, with threonine, which is neutral and polar, at codon 940 of the GRM1 protein (p.Ser940Thr).